The following is an entry in ClinVar:

ClinVar aggregate classification (germline): Conflicting classifications of pathogenicity. Review status: criteria provided, conflicting classifications (1 of 4 stars). 3 submissions from 3 submitters: Uncertain significance (1); Likely benign (2). Last evaluated 2026-01-06.

Conditions:
Combined immunodeficiency due to DOCK8 deficiency (HIES2). Also called: HIES autosomal recessive; HYPER-IgE SYNDROME 2, AUTOSOMAL RECESSIVE, WITH RECURRENT INFECTIONS; HYPER-IgE RECURRENT INFECTION SYNDROME 2, AUTOSOMAL RECESSIVE; DOCK8 Deficiency; Hyper-IgE recurrent infection syndrome, autosomal recessive. Identifiers: Orphanet 217390, MedGen C4722305, MONDO:0009478, OMIM 243700.

Allele frequency attached by ClinVar (database versions not stated): gnomAD exomes below 0.00001; gnomAD 0.00001; TOPMed 0.00001.
gnomAD v4.1: 2 of 1,608,834 alleles (0.00012%); highest among the groups gnomAD compares: Non-Finnish European, 0.00017%; no homozygotes.

Submissions (3):

Labcorp Genetics (formerly Invitae), Labcorp
Classification: Likely benign for Combined immunodeficiency due to DOCK8 deficiency. Last evaluated: 2026-01-06. Review status: criteria provided, single submitter. Criteria: Invitae Variant Classification Sherloc (09022015). Collection method: clinical testing. Allele origin: germline.

Blueprint Genetics
Classification: Likely benign. Last evaluated: 2024-09-12. Review status: criteria provided, single submitter. Criteria: ACMG Guidelines, 2015. Collection method: clinical testing. Allele origin: germline.

Centre for Mendelian Genomics, University Medical Centre Ljubljana
Classification: Uncertain significance for Combined immunodeficiency due to DOCK8 deficiency. Last evaluated: 2019-07-01. Review status: criteria provided, single submitter. Criteria: ACMG Guidelines, 2015. Collection method: clinical testing. Allele origin: unknown. Affected: yes.
Comment: This variant was classified as: Uncertain significance. The available evidence on this variant's pathogenicity is insufficient or conflicting. The following ACMG criteria were applied in classifying this variant: PM2.

NM_203447.4(DOCK8):c.4241+19T>G

Gene: DOCK8 (dedicator of cytokinesis 8; plus strand). Cytogenetic location: 9p24.3.
Variant type: single nucleotide variant.
Coding change: c.4241+19T>G on transcript NM_203447.4 (MANE Select); 19 bases into the intron after coding-DNA position 4241, T replaced by G.
Molecular consequence: intron variant.
Genome position (GRCh38, 1-based): chr9:422,154, T>G. VCF-style: chr9-422154-T-G. GRCh37 (hg19) VCF-style: chr9-422154-T-G.
Other names: c.4037+19T>G (NM_001193536.2); c.3941+19T>G (NM_001190458.2).
Identifiers: ClinVar variation 932100 (VCV000932100.9), dbSNP rs2056303175, ClinGen allele CA1120367433.